The following is an entry in ClinVar:

ClinVar aggregate classification (germline): Benign/Likely benign. Review status: criteria provided, multiple submitters, no conflicts (2 of 4 stars). 5 submissions from 5 submitters: Benign (2); Likely benign (2). 1 of the submissions does not count toward it. Last evaluated 2026-02-01.

Conditions:
D-2-hydroxyglutaric aciduria 2 (D2HGA2). Identifiers: Orphanet 79315, MedGen C3150909, MONDO:0013345, OMIM 613657.

Allele frequency attached by ClinVar (database versions not stated): gnomAD 0.05301 and 0.05235; ESP Exome Variant Server 0.04587; 1000 Genomes Project 0.09046; ExAC 0.02934; TOPMed 0.06257; 1000 Genomes Project 30x 0.09182.
gnomAD v4.1: 24,143 of 1,551,798 alleles (1.6%); highest among the groups gnomAD compares: East Asian, 17%; 1,600 homozygotes.

Submissions (5):

Labcorp Genetics (formerly Invitae), Labcorp
Classification: Benign for D-2-hydroxyglutaric aciduria 2. Last evaluated: 2026-02-01. Review status: criteria provided, single submitter. Criteria: Invitae Variant Classification Sherloc (09022015). Collection method: clinical testing. Allele origin: germline.

GeneDx
Classification: Benign. Last evaluated: 2021-05-04. Review status: criteria provided, single submitter. Criteria: GeneDx Variant Classification Process June 2021. Collection method: clinical testing. Allele origin: germline. Affected: yes.
Comment: This variant is associated with the following publications: (PMID: 27649069)

Genetic Services Laboratory, University of Chicago
Classification: Likely benign. Last evaluated: 2013-10-31. Review status: criteria provided, single submitter. Criteria: ACMG Guidelines, 2007. Collection method: clinical testing. Allele origin: germline. Inheritance: Autosomal dominant inheritance.
Comment: Likely benign based on allele frequency in 1000 Genomes Project or ESP global frequency and its presence in a patient with a rare or unrelated disease phenotype. NOT Sanger confirmed

Breakthrough Genomics
Classification: Likely benign. Review status: criteria provided, single submitter. Criteria: ACMG Guidelines, 2015. Collection method: not provided. Allele origin: germline. Inheritance: Unknown mechanism. Affected: yes.

Mayo Clinic Laboratories, Mayo Clinic
Classification: Benign. Last evaluated: 2016-03-16. Review status: no assertion criteria provided. Collection method: clinical testing. Allele origin: unknown. Not counted in ClinVar's aggregate classification.

NM_002168.4(IDH2):c.1050C>T (p.Thr350=)

Gene: IDH2 (isocitrate dehydrogenase (NADP(+)) 2; minus strand). Cytogenetic location: 15q26.1.
Variant type: single nucleotide variant.
Coding change: c.1050C>T on transcript NM_002168.4 (MANE Select); coding-DNA position 1050, C replaced by T.
Protein change: p.Thr350=; no amino-acid change (threonine 350 retained).
Molecular consequence: synonymous variant.
Genome position (GRCh38, 1-based): chr15:90,085,305, G>A on the plus strand (C>T on the coding strand, the complement: IDH2 is on the minus strand). VCF-style: chr15-90085305-G-A. GRCh37 (hg19) VCF-style: chr15-90628537-G-A.
Other names: c.894C>T, p.Thr298= (NM_001289910.1); c.660C>T, p.Thr220= (NM_001290114.2).
Identifiers: ClinVar variation 158663 (VCV000158663.22), dbSNP rs11540478, ClinGen allele CA172285.